The following is an entry in ClinVar:

NM_001110556.2(FLNA):c.7774G>T (p.Val2592Leu)

Genes: FLNA (filamin A; minus strand), LOC107988032 (Xq28 proximal FLNA-EMD recombination region; plus strand). Cytogenetic location: Xq28.
Variant type: single nucleotide variant.
Coding change: c.7774G>T on transcript NM_001110556.2 (MANE Select); coding-DNA position 7774, G replaced by T.
Protein change: p.Val2592Leu; replaces valine 2592 with leucine.
Molecular consequence: missense variant.
Genome position (GRCh38, 1-based): chrX:154,349,019, C>A on the plus strand (G>T on the coding strand, the complement: FLNA is on the minus strand). VCF-style: chrX-154349019-C-A. GRCh37 (hg19) VCF-style: chrX-153577387-C-A.
Other names: c.7750G>T, p.Val2584Leu (NM_001456.4); short protein forms V2592L, V2584L.
Identifiers: ClinVar variation 4792652 (VCV004792652.1).

ClinVar aggregate classification (germline): Uncertain significance (1 of 4 stars; one submission).

Conditions:
Heterotopia, periventricular, X-linked dominant (PVNH1). Also called: PERIVENTRICULAR NODULAR HETEROTOPIA 1; X-linked periventricular heterotopia; PERIVENTRICULAR NODULAR HETEROTOPIA 4; HETEROTOPIA, PERIVENTRICULAR, 1. Identifiers: Orphanet 2149, Orphanet 82004, MedGen C1848213, MONDO:0010233, OMIM 300049.
Melnick-Needles syndrome (MNS). Also called: MELNICK-NEEDLES OSTEODYSPLASTY; OSTEODYSPLASTY OF MELNICK AND NEEDLES; Melnick-Needles Syndrome (FLNA-MNS). Identifiers: Orphanet 2484, MedGen C0025237, MONDO:0010650, OMIM 309350.
Frontometaphyseal dysplasia (FMD1). Identifiers: Orphanet 1826, MedGen C0265293, MONDO:0015942.
Oto-palato-digital syndrome, type II (OPD2). Also called: FACIOPALATOOSSEOUS SYNDROME; OPD II SYNDROME; Otopalatodigital Syndrome Type 2 (FLNA-OPD2); Otopalatodigital Syndrome, Type II. Identifiers: Orphanet 669, Orphanet 90652, MedGen C1844696, MONDO:0010571, OMIM 304120.

Submission:

Labcorp Genetics (formerly Invitae), Labcorp
Classification: Uncertain significance for Oto-palato-digital syndrome, type II; Heterotopia, periventricular, X-linked dominant; Frontometaphyseal dysplasia; Melnick-Needles syndrome. Last evaluated: 2025-02-06. Review status: criteria provided, single submitter. Criteria: Invitae Variant Classification Sherloc (09022015). Collection method: clinical testing. Allele origin: germline.
Comment: This sequence change replaces valine, which is neutral and non-polar, with leucine, which is neutral and non-polar, at codon 2584 of the FLNA protein (p.Val2584Leu). This variant is not present in population databases (gnomAD no frequency). This variant has not been reported in the literature in individuals affected with FLNA-related conditions. Invitae Evidence Modeling of protein sequence and biophysical properties (such as structural, functional, and spatial information, amino acid conservation, physicochemical variation, residue mobility, and thermodynamic stability) indicates that this missense variant is not expected to disrupt FLNA protein function with a negative predictive value of 95%. In summary, the available evidence is currently insufficient to determine the role of this variant in disease. Therefore, it has been classified as a Variant of Uncertain Significance.